The following is an entry in ClinVar:

ClinVar aggregate classification (germline): Uncertain significance (1 of 4 stars; one submission).

Conditions:
Familial hemophagocytic lymphohistiocytosis 4 (FHL4). Also called: STX11-Related Familial Hemophagocytic Lymphohistiocytosis (STX11-fHLH). Identifiers: Orphanet 540, MedGen C1863728, MONDO:0011336, OMIM 603552.

Allele frequency attached by ClinVar (database versions not stated): gnomAD 0.00001; TOPMed 0.00001.

Submission:

Labcorp Genetics (formerly Invitae), Labcorp
Classification: Uncertain significance for Familial hemophagocytic lymphohistiocytosis 4. Last evaluated: 2022-08-21. Review status: criteria provided, single submitter. Criteria: Invitae Variant Classification Sherloc (09022015). Collection method: clinical testing. Allele origin: germline.
Comment: This sequence change replaces glutamic acid, which is acidic and polar, with lysine, which is basic and polar, at codon 98 of the STX11 protein (p.Glu98Lys). This variant is present in population databases (no rsID available, gnomAD 0.0009%). This variant has not been reported in the literature in individuals affected with STX11-related conditions. ClinVar contains an entry for this variant (Variation ID: 845351). Algorithms developed to predict the effect of missense changes on protein structure and function are either unavailable or do not agree on the potential impact of this missense change (SIFT: "Deleterious"; PolyPhen-2: "Probably Damaging"; Align-GVGD: "Class C0"). In summary, the available evidence is currently insufficient to determine the role of this variant in disease. Therefore, it has been classified as a Variant of Uncertain Significance.

NM_003764.4(STX11):c.292G>A (p.Glu98Lys)

Gene: STX11 (syntaxin 11; plus strand). Cytogenetic location: 6q24.2.
Variant type: single nucleotide variant.
Coding change: c.292G>A on transcript NM_003764.4 (MANE Select); coding-DNA position 292, G replaced by A.
Protein change: p.Glu98Lys; replaces glutamic acid 98 with lysine.
Molecular consequence: missense variant.
Genome position (GRCh38, 1-based): chr6:144,186,919, G>A. VCF-style: chr6-144186919-G-A. GRCh37 (hg19) VCF-style: chr6-144508056-G-A.
Other names: short protein forms E98K.
Identifiers: ClinVar variation 845351 (VCV000845351.7), dbSNP rs1449481982, ClinGen allele CA365948930.